The following is an entry in ClinVar:

NM_020312.4(COQ9):c.938G>T (p.Gly313Val)

Gene: COQ9 (coenzyme Q9; plus strand). Cytogenetic location: 16q21.
Variant type: single nucleotide variant.
Coding change: c.938G>T on transcript NM_020312.4 (MANE Select); coding-DNA position 938, G replaced by T.
Protein change: p.Gly313Val; replaces glycine 313 with valine.
Molecular consequence: missense variant.
Genome position (GRCh38, 1-based): chr16:57,460,605, G>T. VCF-style: chr16-57460605-G-T. GRCh37 (hg19) VCF-style: chr16-57494517-G-T.
Other names: short protein forms G313V.
Identifiers: ClinVar variation 3662254 (VCV003662254.2).

ClinVar aggregate classification (germline): Uncertain significance (1 of 4 stars; one submission).

gnomAD v4.1: 16 of 1,613,976 alleles (0.00099%); highest among the groups gnomAD compares: Non-Finnish European, 0.00059%; no homozygotes.

Submission:

Labcorp Genetics (formerly Invitae), Labcorp
Classification: Uncertain significance. Last evaluated: 2024-08-13. Review status: criteria provided, single submitter. Criteria: Invitae Variant Classification Sherloc (09022015). Collection method: clinical testing. Allele origin: germline.
Comment: This sequence change replaces glycine, which is neutral and non-polar, with valine, which is neutral and non-polar, at codon 313 of the COQ9 protein (p.Gly313Val). This variant is present in population databases (rs756817639, gnomAD 0.004%). This variant has not been reported in the literature in individuals affected with COQ9-related conditions. An algorithm developed to predict the effect of missense changes on protein structure and function (PolyPhen-2) suggests that this variant is likely to be disruptive. In summary, the available evidence is currently insufficient to determine the role of this variant in disease. Therefore, it has been classified as a Variant of Uncertain Significance.